The following is an entry in ClinVar:

NM_007294.4(BRCA1):c.5511G>C (p.Trp1837Cys)

Gene: BRCA1 (BRCA1 DNA repair associated; minus strand). Cytogenetic location: 17q21.31.
Variant type: single nucleotide variant.
Coding change: c.5511G>C on transcript NM_007294.4 (MANE Select); coding-DNA position 5511, G replaced by C.
Protein change: p.Trp1837Cys; replaces tryptophan 1837 with cysteine.
Molecular consequence: missense variant. On other transcripts: 3 prime UTR variant (1), non-coding transcript variant (1).
Genome position (GRCh38, 1-based): chr17:43,045,759, C>G on the plus strand (G>C on the coding strand, the complement: BRCA1 is on the minus strand). VCF-style: chr17-43045759-C-G. GRCh37 (hg19) VCF-style: chr17-41197776-C-G.
Other names: c.5298G>C, p.Trp1766Cys (NM_001407571.1, NM_001407894.1, NM_001407895.1 and 12 more transcripts); c.5577G>C, p.Trp1859Cys (NM_001407581.1, NM_001407582.1); c.5574G>C, p.Trp1858Cys (NM_001407583.1, NM_001407585.1, NM_001407587.1 and 1 more transcripts); c.5571G>C, p.Trp1857Cys (NM_001407590.1, NM_001407591.1); c.5511G>C, p.Trp1837Cys (NM_001407593.1, NM_001407594.1, NM_001407596.1 and 5 more transcripts); c.5508G>C, p.Trp1836Cys (NM_001407619.1, NM_001407620.1, NM_001407621.1 and 14 more transcripts); c.5505G>C, p.Trp1835Cys (NM_001407627.1, NM_001407638.1, NM_001407639.1 and 13 more transcripts); c.5502G>C, p.Trp1834Cys (NM_001407644.1, NM_001407645.1); and 74 more; short protein forms W1837C, W1790C, W733C, W1858C, W1540C, W1709C, W1724C, W1753C.
Identifiers: ClinVar variation 421244 (VCV000421244.26), dbSNP rs80356914, ClinGen allele CA10590294.

ClinVar aggregate classification (germline): Pathogenic/Likely pathogenic. Review status: criteria provided, multiple submitters, no conflicts (2 of 4 stars). 8 submissions from 8 submitters: Pathogenic (7); Likely pathogenic (1). Last evaluated 2025-12-01.

Conditions:
Hereditary breast ovarian cancer syndrome. Also called: Hereditary breast and ovarian cancer syndrome (HBOC); BRCA1- and BRCA2-Associated Hereditary Breast and Ovarian Cancer; Hereditary breast and/or ovarian cancer syndrome; Hereditary breast and ovarian cancer syndrome; Hereditary breast and ovarian cancer; Breast and ovarian cancer. Identifiers: Orphanet 145, MedGen C0677776, MeSH D061325, MONDO:0003582. Disease mechanism: loss of function.
Familial cancer of breast. Also called: hereditary breast carcinoma; BREAST CANCER, FAMILIAL; Hereditary breast cancer. Identifiers: Orphanet 227535, MedGen C0346153, MONDO:0016419, OMIM 114480. Disease mechanism: loss of function.
Fanconi anemia, complementation group S (FANCS). Identifiers: MedGen C4554406, MONDO:0054748, OMIM 617883.
Breast-ovarian cancer, familial, susceptibility to, 1 (BROVCA1). Also called: BRCA1 Hereditary Breast and Ovarian Cancer; OVARIAN CANCER, SUSCEPTIBILITY TO. Identifiers: Orphanet 145, MedGen C2676676, MONDO:0011450, OMIM 604370. Disease mechanism: loss of function.
Hereditary cancer-predisposing syndrome. Also called: Neoplastic Syndromes, Hereditary; Hereditary neoplastic syndrome; Tumor predisposition; Hereditary Cancer Syndrome. Identifiers: Orphanet 140162, MedGen C0027672, MeSH D009386, MONDO:0015356.

Allele frequency attached by ClinVar (database versions not stated): gnomAD exomes below 0.00001.
gnomAD v4.1: 1 of 1,614,030 alleles (0.000062%); highest among the groups gnomAD compares: South Asian, 0.0011%; no homozygotes.

Submissions (9):

Dasa
Classification: Pathogenic for Breast-ovarian cancer, familial, susceptibility to, 1. Last evaluated: 2025-12-01. Review status: criteria provided, single submitter. Criteria: DASA Assertion Criteria. Collection method: clinical testing. Allele origin: germline.
Comment: NM_007294.4(BRCA1):c.5511G>C (p.Trp1837Cys) is a missense variant that results in the substitution of tryptophan with cysteine. Functional evidence supports a deleterious effect on the gene or gene product (PMID: 30209399; PMID: 30765603). This variant has been recurrently observed in individuals with Breast-ovarian cancer, familial, susceptibility to, 1 (PMID: 30209399; PMID: 30765603). Multiple computational predictions support a deleterious effect on the gene or gene product. The variant is present at low frequency in population datasets. Based on the available data, this variant is classified as pathogenic.

Women's Health and Genetics/Laboratory Corporation of America, LabCorp
Classification: Pathogenic for Hereditary breast ovarian cancer syndrome. Last evaluated: 2024-11-04. Review status: criteria provided, single submitter. Criteria: LabCorp Variant Classification Summary - May 2015. Collection method: clinical testing. Allele origin: germline.
Comment: Variant summary: BRCA1 c.5511G>C (p.Trp1837Cys) results in a non-conservative amino acid change located in the BRCT domain (IPR001357) of the encoded protein sequence. Five of five in-silico tools predict a damaging effect of the variant on protein function. The variant was absent in 251360 control chromosomes (gnomAD). c.5511G>C has been reported in the literature in individuals affected with Hereditary Breast And Ovarian Cancer Syndrome (e.g. Li_2019, Wan_2021). These data indicate that the variant is likely to be associated with disease. A different variant affecting the same codon has been classified as pathogenic by our lab (c.5509T>C, p.Trp1837Arg), supporting the critical relevance of codon 1837 to BRCA1 protein function. At least one functional study reports experimental evidence evaluating an impact on protein function and showed a damaging effect of this variant on homology directed repair (HDR) activity (e.g. Findlay_2018). HDR assays qualify as a recognized gold standard on the basis of updated guidance provided by the ClinGen Sequence Variant Interpretation (SVI) working group. The following publications have been ascertained in the context of this evaluation (PMID: 29752822, 32803532, 30209399). ClinVar contains an entry for this variant (Variation ID: 421244). Based on the evidence outlined above, the variant was classified as pathogenic.

Labcorp Genetics (formerly Invitae), Labcorp
Classification: Pathogenic for Hereditary breast ovarian cancer syndrome. Last evaluated: 2023-05-15. Review status: criteria provided, single submitter. Criteria: Invitae Variant Classification Sherloc (09022015). Collection method: clinical testing. Allele origin: germline.
Comment: Experimental studies have shown that this missense change affects BRCA1 function (PMID: 20516115, 27802165, 30209399). For these reasons, this variant has been classified as Pathogenic. This variant disrupts the p.Trp1837 amino acid residue in BRCA1. Other variant(s) that disrupt this residue have been determined to be pathogenic (PMID: 8968102, 11802209, 15689452, 27741520, 28324225). This suggests that this residue is clinically significant, and that variants that disrupt this residue are likely to be disease-causing. Advanced modeling performed at Invitae incorporating data from internal and/or published experimental studies (PMID: 30209399) indicates that this missense variant is expected to disrupt BRCA1 function. ClinVar contains an entry for this variant (Variation ID: 421244). This missense change has been observed in individual(s) with hereditary breast cancer and/or ovarian cancer (PMID: 29752822; Invitae). It has also been observed to segregate with disease in related individuals. This variant is not present in population databases (gnomAD no frequency). This sequence change replaces tryptophan, which is neutral and slightly polar, with cysteine, which is neutral and slightly polar, at codon 1837 of the BRCA1 protein (p.Trp1837Cys).

Department of Pathology and Laboratory Medicine, Sinai Health System
Classification: Likely pathogenic for Familial cancer of breast; Breast-ovarian cancer, familial, susceptibility to, 1; Fanconi anemia, complementation group S. Last evaluated: 2023-02-06. Review status: criteria provided, single submitter. Criteria: ACMG Guidelines, 2015. Collection method: clinical testing. Allele origin: germline. Affected: yes.

Ambry Genetics
Classification: Pathogenic for Hereditary cancer-predisposing syndrome. Last evaluated: 2022-11-29. Review status: criteria provided, single submitter. Criteria: Ambry Variant Classification Scheme 2023. Collection method: clinical testing. Allele origin: germline.
Comment: The p.W1837C pathogenic mutation (also known as c.5511G>C), located in coding exon 22 of the BRCA1 gene, results from a G to C substitution at nucleotide position 5511. The tryptophan at codon 1837 is replaced by cysteine, an amino acid with highly dissimilar properties. This variant has been identified in multiple breast cancer patients (Li JY et al. Int J Cancer. 2019 Jan;144:281-289; Wan Q et al. Fam Cancer. 2021 Apr;20:85-95). Multiple functional analyses have found that this nucleotide substitution to leads to a non-functional protein (Lee MS et al. Cancer Res. 2010 Jun;70:4880-90; Findlay GM et al. Nature. 2018 Oct;562:217-222; Wan Q et al. Fam Cancer. 2021 Apr;20:85-95). This variant is considered to be rare based on population cohorts in the Genome Aggregation Database (gnomAD). This amino acid position is highly conserved in available vertebrate species. In addition, this alteration is predicted to be deleterious by in silico analysis. Based on the supporting evidence, this alteration is interpreted as a disease-causing mutation.

Color Diagnostics, LLC DBA Color Health
Classification: Pathogenic for Hereditary cancer-predisposing syndrome. Last evaluated: 2022-01-05. Review status: criteria provided, single submitter. Criteria: ACMG Guidelines, 2015. Collection method: clinical testing. Allele origin: germline.
Comment: This missense variant replaces tryptophan with cysteine at codon 1837 in the BRCT2 domain of the BRCA1 protein. Computational prediction suggests that this variant may have deleterious impact on protein structure and function (internally defined REVEL score threshold >= 0.7, PMID: 27666373). Functional studies have shown that this variant has reduced HDR activity, (Ambry data) exhibits severe defects in protease sensitivity, phosphopeptide binding, transcriptional activation, and has been reported to be a loss of function mutation in a haploid cell proliferation assay (PMID: 20516115, 30209399). Functional studies in yeast have shown that this variant exhibits subcellular mislocalization to the cytoplasm, reduced protein stability and a reduced ability to inhibit cell growth (PMID: 27802165). This variant has been reported in individuals affected with ovarian cancer (PMID: 31124283) and breast cancer (Lertwilaiwittaya et al. 2020, DOI 10.21203/rs.3.rs-122156/v1; Color internal data). This variant has not been identified in the general population by the Genome Aggregation Database (gnomAD). Multiple different missense variants occurring at the same amino acid position, p.Trp1837Ser/Cys/Arg/Gly, are reported to be disease-causing, indicating that tryptophan at this position is important for BRCA1 function (ClinVar variation ID: 1065962, 421244, 37680, 853483, 55607). Based on the available evidence, this variant is classified as Pathogenic.

Breast Center, Key Laboratory of Carcinogenesis and Translational Research
Classification: Pathogenic for Hereditary breast and ovarian cancer syndrome. Last evaluated: 2020-05-01. Review status: criteria provided, single submitter. Criteria: ACMG Guidelines, 2015. Collection method: clinical testing. Allele origin: germline. Affected: yes. Observed: 5 variant alleles.

GeneDx
Classification: Pathogenic. Last evaluated: 2020-02-03. Review status: criteria provided, single submitter. Criteria: GeneDx Variant Classification Process June 2021. Collection method: clinical testing. Allele origin: germline. Affected: yes.
Comment: Not observed in large population cohorts (Lek et al., 2016); In silico analysis, which includes protein predictors and evolutionary conservation, supports a deleterious effect; Also known as 5630G>C; This variant is associated with the following publications: (PMID: 26956035, 22855649, 20516115, 24845084, 30209399, 28781887, 29752822, 30765603, 31124283, 31825140)

Brotman Baty Institute, University of Washington
No classification provided (evidence only). Condition: Breast-ovarian cancer, familial 1. Review status: no classification provided. Collection method: in vitro. Allele origin: not applicable. Functional consequence: functionally_abnormal. Not counted in ClinVar's aggregate classification.
ClinVar note: "not provided" was previously submitted as the classification for the variant. However, the classification appeared to be based only on an observation of functional data so it was converted to no classification on 2025-07-30.

Literature cited by the submitters: PubMed 30209399 (cited by 7 submitters); PubMed 30765603 (cited by Dasa); PubMed 29752822 (cited by 3 submitters); PubMed 32803532 (cited by 3 submitters); PubMed 20516115 (cited by 4 submitters); PubMed 27802165 (cited by 3 submitters); PubMed 8968102 (cited by Labcorp Genetics (formerly Invitae), Labcorp); PubMed 11802209 (cited by Labcorp Genetics (formerly Invitae), Labcorp); PubMed 15689452 (cited by Labcorp Genetics (formerly Invitae), Labcorp); PubMed 27741520 (cited by Labcorp Genetics (formerly Invitae), Labcorp); PubMed 28324225 (cited by Labcorp Genetics (formerly Invitae), Labcorp); PubMed 2516115 (cited by Department of Pathology and Laboratory Medicine, Sinai Health System); PubMed 31124283 (cited by Department of Pathology and Laboratory Medicine, Sinai Health System and Color Diagnostics, LLC DBA Color Health).